The following is an entry in ClinVar:

NM_001844.5(COL2A1):c.1588C>T (p.Pro530Ser)

Gene: COL2A1 (collagen type II alpha 1 chain; minus strand). Cytogenetic location: 12q13.11.
Variant type: single nucleotide variant.
Coding change: c.1588C>T on transcript NM_001844.5 (MANE Select); coding-DNA position 1588, C replaced by T.
Protein change: p.Pro530Ser; replaces proline 530 with serine.
Molecular consequence: missense variant.
Genome position (GRCh38, 1-based): chr12:47,985,820, G>A on the plus strand (C>T on the coding strand, the complement: COL2A1 is on the minus strand). VCF-style: chr12-47985820-G-A. GRCh37 (hg19) VCF-style: chr12-48379603-G-A.
Other names: c.1381C>T, p.Pro461Ser (NM_033150.3); short protein forms P461S, P530S.
Identifiers: ClinVar variation 2901032 (VCV002901032.3), dbSNP rs868084415, ClinGen allele CA236527481.

ClinVar aggregate classification (germline): Uncertain significance (1 of 4 stars; one submission).

gnomAD v4.1: 1 of 1,609,988 alleles (0.000062%); highest among the groups gnomAD compares: Non-Finnish European, 0.000085%; no homozygotes.

Submission:

Labcorp Genetics (formerly Invitae), Labcorp
Classification: Uncertain significance. Last evaluated: 2025-02-13. Review status: criteria provided, single submitter. Criteria: Invitae Variant Classification Sherloc (09022015). Collection method: clinical testing. Allele origin: germline.
Comment: This sequence change replaces proline, which is neutral and non-polar, with serine, which is neutral and polar, at codon 530 of the COL2A1 protein (p.Pro530Ser). This variant is not present in population databases (gnomAD no frequency). This variant has not been reported in the literature in individuals affected with COL2A1-related conditions. ClinVar contains an entry for this variant (Variation ID: 2901032). Invitae Evidence Modeling of protein sequence and biophysical properties (such as structural, functional, and spatial information, amino acid conservation, physicochemical variation, residue mobility, and thermodynamic stability) indicates that this missense variant is not expected to disrupt COL2A1 protein function with a negative predictive value of 95%. In summary, the available evidence is currently insufficient to determine the role of this variant in disease. Therefore, it has been classified as a Variant of Uncertain Significance.